The following is an entry in ClinVar:

NM_001040108.2(MLH3):c.441A>G (p.Thr147=)

Gene: MLH3 (mutL homolog 3; minus strand). Cytogenetic location: 14q24.3.
Variant type: single nucleotide variant.
Coding change: c.441A>G on transcript NM_001040108.2 (MANE Select); coding-DNA position 441, A replaced by G.
Protein change: p.Thr147=; no amino-acid change (threonine 147 retained).
Molecular consequence: synonymous variant.
Genome position (GRCh38, 1-based): chr14:75,049,215, T>C on the plus strand (A>G on the coding strand, the complement: MLH3 is on the minus strand). VCF-style: chr14-75049215-T-C. GRCh37 (hg19) VCF-style: chr14-75515918-T-C.
Other names: c.441A>G, p.Thr147= (NM_014381.3).
Identifiers: ClinVar variation 1572948 (VCV001572948.11), dbSNP rs777203408, ClinGen allele CA7276029.

ClinVar aggregate classification (germline): Benign/Likely benign. Review status: criteria provided, multiple submitters, no conflicts (2 of 4 stars). 3 submissions from 3 submitters: Benign (1); Likely benign (2). Last evaluated 2026-09-18.

Conditions:
Colorectal cancer, hereditary nonpolyposis, type 7. Identifiers: Orphanet 144, MedGen C1858380, MONDO:0013725, OMIM 614385.

Allele frequency attached by ClinVar (database versions not stated): gnomAD exomes 0.00003 and 0.00006; TOPMed below 0.00001; ExAC 0.00003.
gnomAD v4.1: 42 of 1,614,234 alleles (0.0026%); highest among the groups gnomAD compares: South Asian, 0.045%; 1 homozygote.

Submissions (3):

Myriad Genetics, Inc.
Classification: Benign for Colorectal cancer, hereditary nonpolyposis, type 7. Last evaluated: 2026-09-18. Review status: criteria provided, single submitter. Criteria: Myriad Autosomal Dominant, Autosomal Recessive and X-Linked Classification Criteria (2023). Collection method: clinical testing. Allele origin: unknown.
Comment: This variant is considered benign. This variant is a silent/synonymous amino acid change and it is not expected to impact splicing.

Labcorp Genetics (formerly Invitae), Labcorp
Classification: Likely benign for Colorectal cancer, hereditary nonpolyposis, type 7. Last evaluated: 2024-06-04. Review status: criteria provided, single submitter. Criteria: Invitae Variant Classification Sherloc (09022015). Collection method: clinical testing. Allele origin: germline.

Ambry Genetics
Classification: Likely benign. Last evaluated: 2020-09-30. Review status: criteria provided, single submitter. Criteria: Ambry Variant Classification Scheme 2023. Collection method: clinical testing. Allele origin: germline.